The following is an entry in ClinVar:

ClinVar aggregate classification (germline): Uncertain significance (1 of 4 stars; one submission).

Allele frequency attached by ClinVar (database versions not stated): gnomAD exomes below 0.00001; ExAC 0.00178.

Submission:

Labcorp Genetics (formerly Invitae), Labcorp
Classification: Uncertain significance. Last evaluated: 2023-06-24. Review status: criteria provided, single submitter. Criteria: Invitae Variant Classification Sherloc (09022015). Collection method: clinical testing. Allele origin: germline.
Comment: In summary, the available evidence is currently insufficient to determine the role of this variant in disease. Therefore, it has been classified as a Variant of Uncertain Significance. Experimental studies and prediction algorithms are not available or were not evaluated, and the functional significance of this variant is currently unknown. This variant has not been reported in the literature in individuals affected with FBXO11-related conditions. The frequency data for this variant in the population databases is considered unreliable, as metrics indicate poor data quality at this position in the gnomAD database. This sequence change replaces proline, which is neutral and non-polar, with leucine, which is neutral and non-polar, at codon 41 of the FBXO11 protein (p.Pro41Leu).

NM_001190274.2(FBXO11):c.122C>T (p.Pro41Leu)

Genes: FBXO11 (F-box protein 11; minus strand), LOC100506235 (uncharacterized LOC100506235; plus strand). Cytogenetic location: 2p16.3.
Variant type: single nucleotide variant.
Coding change: c.122C>T on transcript NM_001190274.2 (MANE Select); coding-DNA position 122, C replaced by T.
Protein change: p.Pro41Leu; replaces proline 41 with leucine.
Molecular consequence: missense variant. On other transcripts: non-coding transcript variant (1).
Genome position (GRCh38, 1-based): chr2:47,905,599, G>A on the plus strand (C>T on the coding strand, the complement: FBXO11 is on the minus strand). VCF-style: chr2-47905599-G-A. GRCh37 (hg19) VCF-style: chr2-48132738-G-A.
Other names: short protein forms P41L.
Identifiers: ClinVar variation 2965259 (VCV002965259.3), dbSNP rs749657333, ClinGen allele CA1650247.